The following is an entry in ClinVar:

ClinVar aggregate classification (germline): Likely benign (1 of 4 stars; one submission).

gnomAD v4.1: 94 of 1,614,164 alleles (0.0058%); highest among the groups gnomAD compares: Middle Eastern, 0.033%; no homozygotes.

Submission:

CeGaT Center for Human Genetics Tuebingen
Classification: Likely benign. Last evaluated: 2024-08-01. Review status: criteria provided, single submitter. Criteria: CeGaT Center For Human Genetics Tuebingen Variant Classification Criteria Version 2. Collection method: clinical testing. Allele origin: germline. Affected: yes. Observed: 1 variant allele.
Comment: CHD3: BP4, BP7

NM_001005273.3(CHD3):c.4326G>A (p.Arg1442=)

Gene: CHD3 (chromodomain helicase DNA binding protein 3; plus strand). Cytogenetic location: 17p13.1.
Variant type: single nucleotide variant.
Coding change: c.4326G>A on transcript NM_001005273.3 (MANE Select); coding-DNA position 4326, G replaced by A.
Protein change: p.Arg1442=; no amino-acid change (arginine 1442 retained).
Molecular consequence: synonymous variant.
Genome position (GRCh38, 1-based): chr17:7,905,957, G>A. VCF-style: chr17-7905957-G-A. GRCh37 (hg19) VCF-style: chr17-7809275-G-A.
Other names: c.4503G>A, p.Arg1501= (NM_001005271.3); c.4326G>A, p.Arg1442= (NM_005852.4).
Identifiers: ClinVar variation 3341662 (VCV003341662.16).